The following is an entry in ClinVar:

NM_000368.5(TSC1):c.107-7G>A

Gene: TSC1 (TSC complex subunit 1; minus strand). Cytogenetic location: 9q34.13.
Variant type: single nucleotide variant.
Coding change: c.107-7G>A on transcript NM_000368.5 (MANE Select); 7 bases into the intron before coding-DNA position 107, G replaced by A.
Molecular consequence: intron variant.
Genome position (GRCh38, 1-based): chr9:132,927,311, C>T on the plus strand (G>A on the coding strand, the complement: TSC1 is on the minus strand). VCF-style: chr9-132927311-C-T. GRCh37 (hg19) VCF-style: chr9-135802698-C-T.
Other names: c.-154+1456G>A (NM_001362177.2); c.107-7G>A (NM_001162427.2, NM_001162426.2).
Identifiers: ClinVar variation 1567656 (VCV001567656.30), dbSNP rs775150962, ClinGen allele CA026983.
Genomic context (GRCh38, chr9:132,927,311, plus strand): 5'-AGCTGGTTTCCAGGTAATAATCCACCAAGGTGTTTACAAGCATAGGGCCACGGTCTAAAT[C>T]AAGAAAAGGGCAATGGATGATACTTATTCCCCTTAACATCCTAAATTTACCTTACACAGC-3'

ClinVar aggregate classification (germline): Likely benign. Review status: criteria provided, multiple submitters, no conflicts (2 of 4 stars). 2 submissions from 2 submitters: Likely benign (2). Last evaluated 2023-12-01.

Conditions:
Tuberous sclerosis 1 (TSC1). Identifiers: Orphanet 805, MedGen C1854465, MONDO:0008612, OMIM 191100.

Allele frequency attached by ClinVar (database versions not stated): gnomAD exomes below 0.00001; ExAC 0.00001.

Submissions (2):

CeGaT Center for Human Genetics Tuebingen
Classification: Likely benign. Last evaluated: 2023-12-01. Review status: criteria provided, single submitter. Criteria: CeGaT Center For Human Genetics Tuebingen Variant Classification Criteria Version 2. Collection method: clinical testing. Allele origin: germline. Affected: yes. Observed: 1 variant allele.
Comment: TSC1: BP4

Labcorp Genetics (formerly Invitae), Labcorp
Classification: Likely benign for Tuberous sclerosis 1. Last evaluated: 2021-06-21. Review status: criteria provided, single submitter. Criteria: Invitae Variant Classification Sherloc (09022015). Collection method: clinical testing. Allele origin: germline.